The following is an entry in ClinVar:

ClinVar aggregate classification (germline): Likely benign. Review status: reviewed by expert panel (3 of 4 stars). 3 submissions from 3 submitters: Likely benign (1). 2 of the submissions do not count toward it. Last evaluated 2024-09-10.

Conditions:
Hereditary thrombocytopenia and hematological cancer predisposition syndrome associated with RUNX1. Also called: RUNX1 Familial Platelet Disorder with Associated Myeloid Malignancies; Familial Platelet Disorder with Propensity to Acute Myelogenous Leukemia; Familial thrombocytopenia with propensity to acute myelogenous leukemia; PLATELET DISORDER, ASPIRIN-LIKE. Identifiers: Orphanet 71290, MedGen C1832388, MeSH C563324, MONDO:0100083, OMIM 601399.
Hereditary thrombocytopenia and hematologic cancer predisposition syndrome. Identifiers: Orphanet 71290, MedGen CN281654, MONDO:0011071.
Inborn genetic diseases. Identifiers: MedGen C0950123, MeSH D030342.

Submissions (3):

ClinGen Myeloid Malignancy Variant Curation Expert Panel
Classification: Likely benign for Hereditary thrombocytopenia and hematologic cancer predisposition syndrome. Last evaluated: 2024-09-10. Review status: reviewed by expert panel. Criteria: ClinGen MyeloMalig ACMG Specifications v2. Collection method: curation. Allele origin: germline. Inheritance: Autosomal dominant inheritance.
Comment: NM_001754.5(RUNX1):c.1278G>A (p.Pro426=) is a synonymous variant. This variant is completely absent from all population databases with at least 20x coverage for RUNX1 in gnomAD v2.1.1 and v4.0 (PM2_supporting). SpliceAI predicts no impact on splicing (score: 0.00) (BP4). Evolutionary conservation algorithms predict the site as not being conserved (PhyloP score -1.5) (BP7). This variant was reported in ClinVar by Invitae, but the affected status of the proband is unknown (Variation ID 1586327). In summary, this variant meets criteria to be classified as likely benign. ACMG/AMP criteria applied, as specified by the Myeloid Malignancy Variant Curation Expert Panel for RUNX1: PM2_supporting, BP4, BP7.

Ambry Genetics
Classification: Likely benign for Inborn genetic diseases. Last evaluated: 2025-07-18. Review status: criteria provided, single submitter. Criteria: Ambry Variant Classification Scheme 2023. Collection method: clinical testing. Allele origin: germline. Not counted in ClinVar's aggregate classification.

Labcorp Genetics (formerly Invitae), Labcorp
Classification: Likely benign for Hereditary thrombocytopenia and hematological cancer predisposition syndrome associated with RUNX1. Last evaluated: 2021-12-08. Review status: criteria provided, single submitter. Criteria: Invitae Variant Classification Sherloc (09022015). Collection method: clinical testing. Allele origin: germline. Not counted in ClinVar's aggregate classification.

NM_001754.5(RUNX1):c.1278G>A (p.Pro426=)

Gene: RUNX1 (RUNX family transcription factor 1; minus strand). Cytogenetic location: 21q22.12.
Variant type: single nucleotide variant.
Coding change: c.1278G>A on transcript NM_001754.5 (MANE Select); coding-DNA position 1278, G replaced by A.
Protein change: p.Pro426=; no amino-acid change (proline 426 retained).
Molecular consequence: synonymous variant.
Genome position (GRCh38, 1-based): chr21:34,792,300, C>T on the plus strand (G>A on the coding strand, the complement: RUNX1 is on the minus strand). VCF-style: chr21-34792300-C-T. GRCh37 (hg19) VCF-style: chr21-36164597-C-T.
Other names: NM_001754.5(RUNX1):c.1278G>A; p.Pro426=; c.1278G>A (NM_001754.4); c.1197G>A, p.Pro399= (NM_001001890.3).
Identifiers: ClinVar variation 1586327 (VCV001586327.10), dbSNP rs1263322321, ClinGen allele CA512341139.